The following is an entry in ClinVar:

ClinVar aggregate classification (germline): Likely pathogenic (1 of 4 stars; one submission).

Submission:

Labcorp Genetics (formerly Invitae), Labcorp
Classification: Likely pathogenic. Last evaluated: 2024-02-06. Review status: criteria provided, single submitter. Criteria: Invitae Variant Classification Sherloc (09022015). Collection method: clinical testing. Allele origin: germline.
Comment: This sequence change replaces proline, which is neutral and non-polar, with alanine, which is neutral and non-polar, at codon 870 of the ABCA4 protein (p.Pro870Ala). This variant is not present in population databases (gnomAD no frequency). This variant has not been reported in the literature in individuals affected with ABCA4-related conditions. Advanced modeling of protein sequence and biophysical properties (such as structural, functional, and spatial information, amino acid conservation, physicochemical variation, residue mobility, and thermodynamic stability) performed at Invitae indicates that this missense variant is expected to disrupt ABCA4 protein function with a positive predictive value of 95%. This variant disrupts the p.Pro870 amino acid residue in ABCA4. Other variant(s) that disrupt this residue have been determined to be pathogenic (PMID: 25474345, 28118664, 29925512, 32531858). This suggests that this residue is clinically significant, and that variants that disrupt this residue are likely to be disease-causing. In summary, the currently available evidence indicates that the variant is pathogenic, but additional data are needed to prove that conclusively. Therefore, this variant has been classified as Likely Pathogenic.

Literature cited by the submitters: PubMed 25474345; PubMed 28118664; PubMed 29925512; PubMed 32531858.

NM_000350.3(ABCA4):c.2608C>G (p.Pro870Ala)

Gene: ABCA4 (ATP binding cassette subfamily A member 4; minus strand). Cytogenetic location: 1p22.1.
Variant type: single nucleotide variant.
Coding change: c.2608C>G on transcript NM_000350.3 (MANE Select); coding-DNA position 2608, C replaced by G.
Protein change: p.Pro870Ala; replaces proline 870 with alanine.
Molecular consequence: missense variant.
Genome position (GRCh38, 1-based): chr1:94,051,678, G>C on the plus strand (C>G on the coding strand, the complement: ABCA4 is on the minus strand). VCF-style: chr1-94051678-G-C. GRCh37 (hg19) VCF-style: chr1-94517234-G-C.
Other names: c.2386C>G, p.Pro796Ala (NM_001425324.1); short protein forms P796A, P870A.
Identifiers: ClinVar variation 3626671 (VCV003626671.2).